The following is an entry in ClinVar:

NM_014049.5(ACAD9):c.787T>C (p.Leu263=)

Gene: ACAD9 (acyl-CoA dehydrogenase family member 9; plus strand). Cytogenetic location: 3q21.3.
Variant type: single nucleotide variant.
Coding change: c.787T>C on transcript NM_014049.5 (MANE Select); coding-DNA position 787, T replaced by C.
Protein change: p.Leu263=; no amino-acid change (leucine 263 retained).
Molecular consequence: synonymous variant. On other transcripts: non-coding transcript variant (1).
Genome position (GRCh38, 1-based): chr3:128,899,440, T>C. VCF-style: chr3-128899440-T-C. GRCh37 (hg19) VCF-style: chr3-128618283-T-C.
Other names: p.L263L:TTA>CTA; p.Leu263=.
Identifiers: ClinVar variation 136252 (VCV000136252.25), dbSNP rs1979529, ClinGen allele CA289239.

ClinVar aggregate classification (germline): Benign. Review status: criteria provided, multiple submitters, no conflicts (2 of 4 stars). 8 submissions from 8 submitters: Benign (7). 1 of the submissions does not count toward it. Last evaluated 2026-02-04.

Conditions:
Acyl-CoA dehydrogenase 9 deficiency. Also called: MITOCHONDRIAL COMPLEX I DEFICIENCY, NUCLEAR TYPE 20; Acyl-CoA dehydrogenase family, member 9, deficiency of. Identifiers: Orphanet 99901, MedGen C4747517, MONDO:0012624, OMIM 611126.

Allele frequency attached by ClinVar (database versions not stated): gnomAD exomes 0.01642 and 0.02772; ESP Exome Variant Server 0.02237; gnomAD 0.02566 and 0.02772; TOPMed 0.02628; ExAC 0.02950; 1000 Genomes Project 30x 0.04809; 1000 Genomes Project 0.04832.
gnomAD v4.1: 28,518 of 1,614,078 alleles (1.8%); highest among the groups gnomAD compares: South Asian, 7%; 608 homozygotes.

Submissions (8):

Labcorp Genetics (formerly Invitae), Labcorp
Classification: Benign. Last evaluated: 2026-02-04. Review status: criteria provided, single submitter. Criteria: Invitae Variant Classification Sherloc (09022015). Collection method: clinical testing. Allele origin: germline.

ARUP Laboratories, Molecular Genetics and Genomics, ARUP Laboratories
Classification: Benign for Acyl-CoA dehydrogenase 9 deficiency. Last evaluated: 2025-04-03. Review status: criteria provided, single submitter. Criteria: ARUP Molecular Germline Variant Investigation Process 2024. Collection method: clinical testing. Allele origin: germline.

Blueprint Genetics
Classification: Benign. Last evaluated: 2024-11-26. Review status: criteria provided, single submitter. Criteria: ACMG Guidelines, 2015. Collection method: clinical testing. Allele origin: germline.

Mayo Clinic Laboratories, Mayo Clinic
Classification: Benign. Last evaluated: 2023-01-15. Review status: criteria provided, single submitter. Criteria: ACMG Guidelines, 2015. Collection method: clinical testing. Allele origin: germline. Observed: 92 variant alleles.

Illumina Laboratory Services, Illumina
Classification: Benign for Acyl-CoA dehydrogenase 9 deficiency. Last evaluated: 2018-01-12. Review status: criteria provided, single submitter. Criteria: ICSL Variant Classification Criteria 13 December 2019. Collection method: clinical testing. Allele origin: germline.
Comment: This variant was observed in the ICSL laboratory as part of a predisposition screen in an ostensibly healthy population. It had not been previously curated by ICSL or reported in the Human Gene Mutation Database (HGMD: prior to June 1st, 2018), and was therefore a candidate for classification through an automated scoring system. Utilizing variant allele frequency, disease prevalence and penetrance estimates, and inheritance mode, an automated score was calculated to assess if this variant is too frequent to cause the disease. Based on the score and internal cut-off values, a variant classified as benign is not then subjected to further curation. The score for this variant resulted in a classification of benign for this disease.

GeneDx
Classification: Benign. Last evaluated: 2014-03-03. Review status: criteria provided, single submitter. Criteria: GeneDx Variant Classification (06012015). Collection method: clinical testing. Allele origin: germline. Affected: yes.
Comment: This variant is considered likely benign or benign based on one or more of the following criteria: it is a conservative change, it occurs at a poorly conserved position in the protein, it is predicted to be benign by multiple in silico algorithms, and/or has population frequency not consistent with disease.

Breakthrough Genomics
Classification: Benign. Review status: criteria provided, single submitter. Criteria: ACMG Guidelines, 2015. Collection method: not provided. Allele origin: germline. Inheritance: Autosomal recessive inheritance. Affected: yes.

Natera, Inc.
Classification: Benign for ACAD9 deficiency. Last evaluated: 2020-09-16. Review status: no assertion criteria provided. Collection method: clinical testing. Allele origin: germline. Not counted in ClinVar's aggregate classification.